The following is an entry in ClinVar:

ClinVar aggregate classification (germline): Likely benign. Review status: criteria provided, single submitter (1 of 4 stars). 2 submissions from 2 submitters: Likely benign (1). 1 of the submissions does not count toward it. Last evaluated 2026-02-01.

Conditions:
HPS1-related disorder. Also called: HPS1-related condition.

Allele frequency attached by ClinVar (database versions not stated): gnomAD exomes 0.00001; TOPMed 0.00001.
gnomAD v4.1: 14 of 1,582,796 alleles (0.00088%); highest among the groups gnomAD compares: Admixed American, 0.0017%; no homozygotes.

Submissions (2):

Labcorp Genetics (formerly Invitae), Labcorp
Classification: Likely benign. Last evaluated: 2026-02-01. Review status: criteria provided, single submitter. Criteria: Invitae Variant Classification Sherloc (09022015). Collection method: clinical testing. Allele origin: germline.

PreventionGenetics, part of Exact Sciences
Classification: Likely benign for HPS1-related condition. Last evaluated: 2020-03-25. Review status: no assertion criteria provided. Collection method: clinical testing. Allele origin: germline. Not counted in ClinVar's aggregate classification.
Comment: This variant is classified as likely benign based on ACMG/AMP sequence variant interpretation guidelines (Richards et al. 2015 PMID: 25741868, with internal and published modifications).

NM_000195.5(HPS1):c.1940+10C>T

Gene: HPS1 (HPS1 biogenesis of lysosomal organelles complex 3 subunit 1; minus strand). Cytogenetic location: 10q24.2.
Variant type: single nucleotide variant.
Coding change: c.1940+10C>T on transcript NM_000195.5 (MANE Select); 10 bases into the intron after coding-DNA position 1940, C replaced by T.
Molecular consequence: intron variant.
Genome position (GRCh38, 1-based): chr10:98,418,165, G>A on the plus strand (C>T on the coding strand, the complement: HPS1 is on the minus strand). VCF-style: chr10-98418165-G-A. GRCh37 (hg19) VCF-style: chr10-100177922-G-A.
Other names: c.1571+10C>T (NM_001322483.2, NM_001322484.2); c.1679+10C>T (NM_001322480.2, NM_001322481.2); c.1841+10C>T (NM_001322478.2, NM_001322479.2); c.1940+10C>T (NM_001322476.2, NM_001322477.2); c.1472+10C>T (NM_001322485.2); c.1580+10C>T (NM_001322482.2); c.968+10C>T (NM_001322489.2, NM_001311345.2, NM_001322487.2).
Identifiers: ClinVar variation 763960 (VCV000763960.12), dbSNP rs1236633468, ClinGen allele CA595430823.
Genomic context (GRCh38, chr10:98,418,165, plus strand): 5'-CCCGGCAGAGGCGAGCACTTATCACCCAAATGGGGGCATCTGTCCCCAGTGGCTCCCAAC[G>A]CAGCGTCACCTGTAGTAGTCTCCTCCCAGCATGCCGATAGGCACTGAGTCGTCGGAGAGG-3'